The following is an entry in ClinVar:

ClinVar aggregate classification (germline): Uncertain significance (1 of 4 stars; one submission).

Conditions:
Peroxisome biogenesis disorder 12A (Zellweger). Also called: Peroxisome biogenesis disorder 12A. Identifiers: Orphanet 912, MedGen C3554002, MONDO:0013951, OMIM 614886.

Allele frequency attached by ClinVar (database versions not stated): gnomAD exomes below 0.00001; TOPMed below 0.00001; gnomAD 0.00001.
gnomAD v4.1: 2 of 1,613,178 alleles (0.00012%); highest among the groups gnomAD compares: Non-Finnish European, 0.00017%; no homozygotes.

Submission:

Labcorp Genetics (formerly Invitae), Labcorp
Classification: Uncertain significance for Peroxisome biogenesis disorder 12A (Zellweger). Last evaluated: 2023-07-07. Review status: criteria provided, single submitter. Criteria: Invitae Variant Classification Sherloc (09022015). Collection method: clinical testing. Allele origin: germline.
Comment: This sequence change replaces aspartic acid, which is acidic and polar, with asparagine, which is neutral and polar, at codon 61 of the PEX19 protein (p.Asp61Asn). This variant is not present in population databases (gnomAD no frequency). This variant has not been reported in the literature in individuals affected with PEX19-related conditions. ClinVar contains an entry for this variant (Variation ID: 1482146). An algorithm developed to predict the effect of missense changes on protein structure and function (PolyPhen-2) suggests that this variant is likely to be tolerated. In summary, the available evidence is currently insufficient to determine the role of this variant in disease. Therefore, it has been classified as a Variant of Uncertain Significance.

NM_002857.4(PEX19):c.181G>A (p.Asp61Asn)

Gene: PEX19 (peroxisomal biogenesis factor 19; minus strand). Cytogenetic location: 1q23.2.
Variant type: single nucleotide variant.
Coding change: c.181G>A on transcript NM_002857.4 (MANE Select); coding-DNA position 181, G replaced by A.
Protein change: p.Asp61Asn; replaces aspartic acid 61 with asparagine.
Molecular consequence: missense variant. On other transcripts: non-coding transcript variant (2).
Genome position (GRCh38, 1-based): chr1:160,283,109, C>T on the plus strand (G>A on the coding strand, the complement: PEX19 is on the minus strand). VCF-style: chr1-160283109-C-T. GRCh37 (hg19) VCF-style: chr1-160252899-C-T.
Other names: c.181G>A, p.Asp61Asn (NM_001193644.1); short protein forms D61N.
Identifiers: ClinVar variation 1482146 (VCV001482146.6), dbSNP rs1364910260, ClinGen allele CA343264099.